The following is an entry in ClinVar:

NM_018979.4(WNK1):c.4310C>T (p.Thr1437Ile)

Gene: WNK1 (WNK lysine deficient protein kinase 1; plus strand). Cytogenetic location: 12p13.33.
Variant type: single nucleotide variant.
Coding change: c.4310C>T on transcript NM_018979.4 (MANE Select); coding-DNA position 4310, C replaced by T.
Protein change: p.Thr1437Ile; replaces threonine 1437 with isoleucine.
Molecular consequence: missense variant.
Genome position (GRCh38, 1-based): chr12:885,114, C>T. VCF-style: chr12-885114-C-T. GRCh37 (hg19) VCF-style: chr12-994280-C-T.
Other names: c.5090C>T, p.Thr1697Ile (NM_001184985.2); c.3569C>T, p.Thr1190Ile (NM_014823.3); c.5066C>T, p.Thr1689Ile (NM_213655.5); short protein forms T1190I, T1437I, T1697I, T1689I.
Identifiers: ClinVar variation 2941287 (VCV002941287.3), dbSNP rs2549043643, ClinGen allele CA383330979.

ClinVar aggregate classification (germline): Uncertain significance (1 of 4 stars; one submission).

Conditions:
Neuropathy, hereditary sensory and autonomic, type 2A (HSAN2A). Also called: ACROOSTEOLYSIS, GIACCAI TYPE; ACROOSTEOLYSIS, NEUROGENIC; MORVAN DISEASE; NEUROPATHY, CONGENITAL SENSORY; NEUROPATHY, HEREDITARY SENSORY RADICULAR, AUTOSOMAL RECESSIVE; NEUROPATHY, HEREDITARY SENSORY, TYPE IIA. Identifiers: Orphanet 970, MedGen C2752089, MONDO:0024309, OMIM 201300.
Pseudohypoaldosteronism type 2C (PHA2C). Also called: Pseudohypoaldosteronism Type IIC. Identifiers: Orphanet 757, Orphanet 88940, MedGen C1840391, MONDO:0013778, OMIM 614492.

Submission:

Labcorp Genetics (formerly Invitae), Labcorp
Classification: Uncertain significance for Neuropathy, hereditary sensory and autonomic, type 2A; Pseudohypoaldosteronism type 2C. Last evaluated: 2023-02-15. Review status: criteria provided, single submitter. Criteria: Invitae Variant Classification Sherloc (09022015). Collection method: clinical testing. Allele origin: germline.
Comment: This sequence change replaces threonine, which is neutral and polar, with isoleucine, which is neutral and non-polar, at codon 1689 of the WNK1 protein (p.Thr1689Ile). This variant is not present in population databases (gnomAD no frequency). This variant has not been reported in the literature in individuals affected with WNK1-related conditions. Advanced modeling of protein sequence and biophysical properties (such as structural, functional, and spatial information, amino acid conservation, physicochemical variation, residue mobility, and thermodynamic stability) performed at Invitae indicates that this missense variant is not expected to disrupt WNK1 protein function. In summary, the available evidence is currently insufficient to determine the role of this variant in disease. Therefore, it has been classified as a Variant of Uncertain Significance.